The following is an entry in ClinVar:

NM_001374353.1(GLI2):c.1384C>T (p.Arg462Trp)

Gene: GLI2 (GLI family zinc finger 2; plus strand). Cytogenetic location: 2q14.2.
Variant type: single nucleotide variant.
Coding change: c.1384C>T on transcript NM_001374353.1 (MANE Select); coding-DNA position 1384, C replaced by T.
Protein change: p.Arg462Trp; replaces arginine 462 with tryptophan.
Molecular consequence: missense variant.
Genome position (GRCh38, 1-based): chr2:120,978,500, C>T. VCF-style: chr2-120978500-C-T. GRCh37 (hg19) VCF-style: chr2-121736076-C-T.
Other names: c.1009C>T, p.Arg337Trp (NM_001374354.1); c.1435C>T, p.Arg479Trp (NM_005270.5, NM_001371271.1); short protein forms R337W, R462W, R479W.
Identifiers: ClinVar variation 1676860 (VCV001676860.26), dbSNP rs121917708, ClinGen allele CA1851903.

ClinVar aggregate classification (germline): Uncertain significance. Review status: criteria provided, multiple submitters, no conflicts (2 of 4 stars). 2 submissions from 2 submitters: Uncertain significance (2). Last evaluated 2022-05-01.

Allele frequency attached by ClinVar (database versions not stated): gnomAD exomes below 0.00001; TOPMed below 0.00001; gnomAD 0.00001; ExAC 0.00002; 1000 Genomes Project 30x 0.00016.
gnomAD v4.1: 7 of 1,614,110 alleles (0.00043%); highest among the groups gnomAD compares: Admixed American, 0.0017%; no homozygotes.

Submissions (2):

CeGaT Center for Human Genetics Tuebingen
Classification: Uncertain significance. Last evaluated: 2022-05-01. Review status: criteria provided, single submitter. Criteria: CeGaT Center For Human Genetics Tuebingen Variant Classification Criteria Version 2. Collection method: clinical testing. Allele origin: germline. Affected: yes. Observed: 1 variant allele.
Comment: GLI2: PM2, PM5, PP3

GeneDx
Classification: Uncertain significance. Last evaluated: 2022-04-08. Review status: criteria provided, single submitter. Criteria: GeneDx Variant Classification Process June 2021. Collection method: clinical testing. Allele origin: germline. Affected: yes.
Comment: Not observed at significant frequency in large population cohorts (gnomAD); In silico analysis supports that this missense variant has a deleterious effect on protein structure/function; A different missense change at this residue (p.R479G, reported as p.R151G using alternate nomenclature) has been reported in the published literature in an individual with cleft lip and palate, dysmorphic features, and mild gyral asymmetry on head imaging, but the variant was inherited from an unaffected parent (Richieri-Costa and Ribeiro, 2006; Rahimov et al., 2006); Has not been previously published as pathogenic or benign to our knowledge